The following is an entry in ClinVar:

NM_000498.3(CYP11B2):c.89G>A (p.Arg30Gln)

Genes: CYP11B2 (cytochrome P450 family 11 subfamily B member 2; minus strand), LOC106799834 (CYP11B2 recombination region; plus strand). Cytogenetic location: 8q24.3.
Variant type: single nucleotide variant.
Coding change: c.89G>A on transcript NM_000498.3 (MANE Select); coding-DNA position 89, G replaced by A.
Protein change: p.Arg30Gln; replaces arginine 30 with glutamine.
Molecular consequence: missense variant.
Genome position (GRCh38, 1-based): chr8:142,917,752, C>T on the plus strand (G>A on the coding strand, the complement: CYP11B2 is on the minus strand). VCF-style: chr8-142917752-C-T. GRCh37 (hg19) VCF-style: chr8-143999168-C-T.
Other names: short protein forms R30Q.
Identifiers: ClinVar variation 362229 (VCV000362229.19), dbSNP rs6441, ClinGen allele CA4906376.

ClinVar aggregate classification (germline): Benign/Likely benign. Review status: criteria provided, multiple submitters, no conflicts (2 of 4 stars). 8 submissions from 6 submitters: Benign (5); Likely benign (2). 1 of the submissions does not count toward it. Last evaluated 2026-01-20.

Conditions:
Glucocorticoid-remediable aldosteronism. Also called: Hyperaldosteronism, familial, type I; FH I; GLUCOCORTICOID-SUPPRESSIBLE HYPERALDOSTERONISM; ACTH-DEPENDENT HYPERALDOSTERONISM SYNDROME; ALDOSTERONISM, SENSITIVE TO DEXAMETHASONE. Identifiers: Orphanet 403, MedGen C3838731, MONDO:0007080, OMIM 103900.
Corticosterone 18-monooxygenase deficiency. Also called: ALDOSTERONE DEFICIENCY DUE TO DEFECT IN STEROID 18-HYDROXYLASE; ALDOSTERONE DEFICIENCY I; CMO I DEFICIENCY; STEROID 18-HYDROXYLASE DEFICIENCY; 18 Hydroxylase deficiency; Aldosterone deficiency due to defect in 18 hydroxylase. Identifiers: Orphanet 427, MedGen C0268293, MONDO:0008751, OMIM 203400. Disease mechanism: loss of function.
Corticosterone methyloxidase type 2 deficiency. Also called: 18-OXIDASE DEFICIENCY; ALDOSTERONE DEFICIENCY DUE TO DEFICIENCY OF STEROID 18-OXIDASE; ALDOSTERONE DEFICIENCY II; CMO II DEFICIENCY; STEROID 18-OXIDASE DEFICIENCY. Identifiers: Orphanet 427, MedGen C3463917, MONDO:0012524, OMIM 610600. Disease mechanism: loss of function.
Corticosterone methyl oxidase type II deficiency.

Allele frequency attached by ClinVar (database versions not stated): gnomAD exomes 0.00098; ExAC 0.00112; 1000 Genomes Project 30x 0.00172; 1000 Genomes Project 0.00200; ESP Exome Variant Server 0.00323; gnomAD 0.00374 and 0.00391; TOPMed 0.00417.
gnomAD v4.1: 1,285 of 1,614,204 alleles (0.08%); highest among the groups gnomAD compares: African/African-American, 1.3%; 8 homozygotes.

Submissions (8):

Labcorp Genetics (formerly Invitae), Labcorp
Classification: Benign. Last evaluated: 2026-01-20. Review status: criteria provided, single submitter. Criteria: Invitae Variant Classification Sherloc (09022015). Collection method: clinical testing. Allele origin: germline.

Mayo Clinic Laboratories, Mayo Clinic
Classification: Likely benign. Last evaluated: 2025-09-19. Review status: criteria provided, single submitter. Criteria: ACMG Guidelines, 2015. Collection method: clinical testing. Allele origin: germline. Observed: 1 variant allele.
Comment: BS1, BP4

Blueprint Genetics
Classification: Likely benign. Last evaluated: 2024-10-09. Review status: criteria provided, single submitter. Criteria: ACMG Guidelines, 2015. Collection method: clinical testing. Allele origin: germline.

Illumina Laboratory Services, Illumina
Classification: Benign for Hyperaldosteronism, familial, type I. Last evaluated: 2018-01-13. Review status: criteria provided, single submitter. Criteria: ICSL Variant Classification Criteria 13 December 2019. Collection method: clinical testing. Allele origin: germline.
Comment: This variant was observed in the ICSL laboratory as part of a predisposition screen in an ostensibly healthy population. It had not been previously curated by ICSL or reported in the Human Gene Mutation Database (HGMD: prior to June 1st, 2018), and was therefore a candidate for classification through an automated scoring system. Utilizing variant allele frequency, disease prevalence and penetrance estimates, and inheritance mode, an automated score was calculated to assess if this variant is too frequent to cause the disease. Based on the score and internal cut-off values, a variant classified as benign is not then subjected to further curation. The score for this variant resulted in a classification of benign for this disease.

Illumina Laboratory Services, Illumina
Classification: Benign for Corticosterone 18-monooxygenase deficiency. Last evaluated: 2018-01-13. Review status: criteria provided, single submitter. Criteria: ICSL Variant Classification Criteria 13 December 2019. Collection method: clinical testing. Allele origin: germline.
Comment: the same text as in the submission from Illumina Laboratory Services, Illumina above.

Illumina Laboratory Services, Illumina
Classification: Benign for Corticosterone methyloxidase type 2 deficiency. Last evaluated: 2018-01-13. Review status: criteria provided, single submitter. Criteria: ICSL Variant Classification Criteria 13 December 2019. Collection method: clinical testing. Allele origin: germline.
Comment: the same text as in the submission from Illumina Laboratory Services, Illumina above.

Breakthrough Genomics
Classification: Benign. Review status: criteria provided, single submitter. Criteria: ACMG Guidelines, 2015. Collection method: not provided. Allele origin: germline. Inheritance: Autosomal recessive inheritance. Affected: yes.

Natera, Inc.
Classification: Benign for Corticosterone methyl oxidase type II deficiency. Last evaluated: 2020-09-16. Review status: no assertion criteria provided. Collection method: clinical testing. Allele origin: germline. Not counted in ClinVar's aggregate classification.